The following is an entry in ClinVar:

ClinVar aggregate classification (germline): Uncertain significance. Review status: criteria provided, multiple submitters, no conflicts (2 of 4 stars). 2 submissions from 2 submitters: Uncertain significance (2). Last evaluated 2023-04-03.

Conditions:
Dilated cardiomyopathy 1G (CMD1G). Identifiers: Orphanet 154, MedGen C1858763, MONDO:0011400, OMIM 604145.
Autosomal recessive limb-girdle muscular dystrophy type 2J (LGMDR10). Also called: Limb-girdle muscular dystrophy, type 2J; MUSCULAR DYSTROPHY, LIMB-GIRDLE, AUTOSOMAL RECESSIVE 10. Identifiers: Orphanet 140922, MedGen C1837342, MONDO:0012127, OMIM 608807.

Allele frequency attached by ClinVar (database versions not stated): TOPMed below 0.00001; gnomAD 0.00001; gnomAD exomes 0.00001.
gnomAD v4.1: 9 of 1,613,826 alleles (0.00056%); highest among the groups gnomAD compares: Non-Finnish European, 0.00076%; no homozygotes.

Submissions (2):

Blueprint Genetics
Classification: Uncertain significance. Last evaluated: 2023-04-03. Review status: criteria provided, single submitter. Criteria: ACMG Guidelines, 2015. Collection method: clinical testing. Allele origin: germline.

Labcorp Genetics (formerly Invitae), Labcorp
Classification: Uncertain significance for Dilated cardiomyopathy 1G; Autosomal recessive limb-girdle muscular dystrophy type 2J. Last evaluated: 2022-10-20. Review status: criteria provided, single submitter. Criteria: Invitae Variant Classification Sherloc (09022015). Collection method: clinical testing. Allele origin: germline.
Comment: This sequence change replaces alanine, which is neutral and non-polar, with threonine, which is neutral and polar, at codon 35212 of the TTN protein (p.Ala35212Thr). This variant is not present in population databases (gnomAD no frequency). This variant has not been reported in the literature in individuals affected with TTN-related conditions. Experimental studies and prediction algorithms are not available or were not evaluated, and the functional significance of this variant is currently unknown. In summary, the available evidence is currently insufficient to determine the role of this variant in disease. Therefore, it has been classified as a Variant of Uncertain Significance. This variant is located in the M band of TTN (PMID: 25589632). Variants in this region may be relevant for neuromuscular disorders, but have not been definitively shown to cause cardiomyopathy (PMID: 23975875).

Literature cited by the submitters: PubMed 25589632 (cited by Labcorp Genetics (formerly Invitae), Labcorp); PubMed 23975875 (cited by Labcorp Genetics (formerly Invitae), Labcorp).

NM_001267550.2(TTN):c.105634G>A (p.Ala35212Thr)

Genes: TTN (titin; minus strand), TTN-AS1 (TTN antisense RNA 1; plus strand), LOC129935183 (ATAC-STARR-seq lymphoblastoid active region 16808; plus strand). Cytogenetic location: 2q31.2.
Variant type: single nucleotide variant.
Coding change: c.105634G>A on transcript NM_001267550.2 (MANE Select); coding-DNA position 105634, G replaced by A.
Protein change: p.Ala35212Thr; replaces alanine 35212 with threonine.
Molecular consequence: missense variant.
Genome position (GRCh38, 1-based): chr2:178,530,981, C>T on the plus strand (G>A on the coding strand, the complement: TTN is on the minus strand). VCF-style: chr2-178530981-C-T. GRCh37 (hg19) VCF-style: chr2-179395708-C-T.
Other names: c.100711G>A, p.Ala33571Thr (NM_001256850.1); c.78439G>A, p.Ala26147Thr (NM_003319.4); c.97930G>A, p.Ala32644Thr (NM_133378.4); c.78814G>A, p.Ala26272Thr (NM_133432.3); c.79015G>A, p.Ala26339Thr (NM_133437.4); short protein forms A26147T, A32644T, A26272T, A26339T, A33571T, A35212T.
Identifiers: ClinVar variation 2053598 (VCV002053598.4), dbSNP rs1462254442, ClinGen allele CA349408281.